The following is an entry in ClinVar:

ClinVar aggregate classification (germline): Uncertain significance (1 of 4 stars; one submission).

Conditions:
Blau syndrome (BLAUS). Also called: ARTHROCUTANEOUVEAL GRANULOMATOSIS; GRANULOMATOSIS, FAMILIAL JUVENILE SYSTEMIC; GRANULOMATOSIS, FAMILIAL, BLAU TYPE; GRANULOMATOUS INFLAMMATORY ARTHRITIS, DERMATITIS, AND UVEITIS, FAMILIAL; JABS SYNDROME. Identifiers: Orphanet 90340, MedGen C5201146, MONDO:0008523, OMIM 186580.
Regional enteritis. Also called: Enteritis, Granulomatous. Identifiers: MedGen C0678202, MeSH D003424.

Allele frequency attached by ClinVar (database versions not stated): TOPMed below 0.00001; ExAC 0.00002.
gnomAD v4.1: 9 of 1,614,144 alleles (0.00056%); highest among the groups gnomAD compares: Admixed American, 0.015%; no homozygotes.

Submission:

Labcorp Genetics (formerly Invitae), Labcorp
Classification: Uncertain significance for Regional enteritis; Blau syndrome. Last evaluated: 2024-06-19. Review status: criteria provided, single submitter. Criteria: Invitae Variant Classification Sherloc (09022015). Collection method: clinical testing. Allele origin: germline.
Comment: This sequence change creates a premature translational stop signal (p.Glu383*) in the NOD2 gene. It is expected to result in an absent or disrupted protein product. However, the current clinical and genetic evidence is not sufficient to establish whether loss-of-function variants in NOD2 cause disease. This variant is present in population databases (rs104895477, gnomAD 0.03%). This variant has not been reported in the literature in individuals affected with NOD2-related conditions. ClinVar contains an entry for this variant (Variation ID: 1955780). In summary, the available evidence is currently insufficient to determine the role of this variant in disease. Therefore, it has been classified as a Variant of Uncertain Significance.

NM_001370466.1(NOD2):c.1066G>T (p.Glu356Ter)

Gene: NOD2 (nucleotide binding oligomerization domain containing 2; plus strand). Cytogenetic location: 16q12.1.
Variant type: single nucleotide variant.
Coding change: c.1066G>T on transcript NM_001370466.1 (MANE Select); coding-DNA position 1066, G replaced by T.
Protein change: p.Glu356Ter; replaces glutamic acid 356 with a stop codon.
Molecular consequence: nonsense. On other transcripts: non-coding transcript variant (1).
Genome position (GRCh38, 1-based): chr16:50,711,058, G>T. VCF-style: chr16-50711058-G-T. GRCh37 (hg19) VCF-style: chr16-50744969-G-T.
Other names: c.1066G>T, p.Glu356Ter (NM_001293557.2); c.1147G>T, p.Glu383Ter (NM_022162.3); short protein forms E356*, E383*.
Identifiers: ClinVar variation 1955780 (VCV001955780.5), dbSNP rs104895477, ClinGen allele CA8051475.
Genomic context (GRCh38, chr16:50,711,058, plus strand): 5'-ATCTTCCAGTTACTCCTTGACCACCCTGACCGTGTCCTGTTAACCTTTGATGGCTTTGAC[G>T]AGTTCAAGTTCAGGTTCACGGATCGTGAACGCCACTGCTCCCCGACCGACCCCACCTCTG-3'